The following is an entry in ClinVar:

ClinVar aggregate classification (germline): Pathogenic (1 of 4 stars; one submission).

Conditions:
Lissencephaly type 1 due to doublecortin gene mutation. Also called: LISSENCEPHALY, X-LINKED, 1; LISSENCEPHALY AND AGENESIS OF CORPUS CALLOSUM. Identifiers: Orphanet 2148, MedGen C4551968, MONDO:0010239, OMIM 300067.

Submission:

Juno Genomics, Hangzhou Juno Genomics, Inc
Classification: Pathogenic for Lissencephaly type 1 due to doublecortin gene mutation. Review status: criteria provided, single submitter. Criteria: ACMG Guidelines, 2015. Collection method: clinical testing. Allele origin: germline. Affected: yes.
Comment: Null variant in a gene where loss of function (LOF) is a known mechanism of disease.;Absent from controls (or at extremely low frequency if recessive) in Genome Aggregation Database, Exome Sequencing Project, 1000 Genomes Project, or Exome Aggregation Consortium.;Assumed de novo, but without confirmation of paternity and maternity.;Patient's phenotype or family history is highly specific for a disease with a single genetic etiology.

NM_001195553.2(DCX):c.41_42del (p.Thr14fs)

Gene: DCX (doublecortin; minus strand). Cytogenetic location: Xq23.
Variant type: Deletion.
Coding change: c.41_42del on transcript NM_001195553.2 (MANE Select); coding-DNA positions 41 to 42, 2 bases deleted (CA; older notation c.41_42delCA).
Protein change: p.Thr14fs; shifts the reading frame from threonine 14.
Molecular consequence: frameshift variant.
Genome position (GRCh38, 1-based): chrX:111,410,357-111,410,358, TG deleted on the plus strand (CA on the coding strand, the reverse complement: DCX is on the minus strand); deleting any 2 consecutive bases within chrX:111,410,357-111,410,359 gives the same sequence; the c. name uses the placement nearest the transcript's 3' end. VCF-style (leftmost placement, unchanged base first): chrX-111410356-ATG-A. GRCh37 (hg19) VCF-style: chrX-110653584-ATG-A.
Other names: c.284_285del, p.Thr95fs (NM_000555.3); c.41_42del, p.Thr14fs (NM_001369370.1, NM_001369371.1, NM_001369372.1 and 6 more transcripts); short protein forms T14fs, T95fs.
Identifiers: ClinVar variation 3382940 (VCV003382940.2).